The following is an entry in ClinVar:

NM_020433.5(JPH2):c.1033G>C (p.Val345Leu)

Gene: JPH2 (junctophilin 2; minus strand). Cytogenetic location: 20q13.12.
Variant type: single nucleotide variant.
Coding change: c.1033G>C on transcript NM_020433.5 (MANE Select); coding-DNA position 1033, G replaced by C.
Protein change: p.Val345Leu; replaces valine 345 with leucine.
Molecular consequence: missense variant.
Genome position (GRCh38, 1-based): chr20:44,159,754, C>G on the plus strand (G>C on the coding strand, the complement: JPH2 is on the minus strand). VCF-style: chr20-44159754-C-G. GRCh37 (hg19) VCF-style: chr20-42788394-C-G.
Other names: short protein forms V345L.
Identifiers: ClinVar variation 454466 (VCV000454466.17), dbSNP rs748233107, ClinGen allele CA9868764.
Genomic context (GRCh38, chr20:44,159,754, plus strand): 5'-TCTGGCGGACCTTGTTGCTCTTGAGCTGCAGCATGCGGCGCTTGGTGTCCTTGACCAGCA[C>G]GTTGTGGCGGTACTTGCCCTCCTCGCGGTGGCCGTCGGGCAGCGTGGTGCAGCCATAGCC-3'
Protein context (NP_065166.2, residues 335-355): HREEGKYRHN[Val345Leu]LVKDTKRRML

ClinVar aggregate classification (germline): Conflicting classifications of pathogenicity. Review status: criteria provided, conflicting classifications (1 of 4 stars). 7 submissions from 7 submitters: Uncertain significance (5); Likely benign (2). Last evaluated 2026-10-19.

Conditions:
Hypertrophic cardiomyopathy 17. Identifiers: MedGen C3151264, MONDO:0013474, OMIM 613873.
Cardiomyopathy, dilated, 2E. Identifiers: MedGen C5561970, MONDO:0030366, OMIM 619492.
Cardiovascular phenotype. Identifiers: MedGen CN230736.
JPH2-related disorder. Also called: JPH2-related condition.
Hypertrophic cardiomyopathy. Also called: HYPERTROPHIC MYOCARDIOPATHY. Identifiers: Orphanet 217569, MedGen C0007194, MeSH D002312, MONDO:0005045, HP:0001639.

Allele frequency attached by ClinVar (database versions not stated): gnomAD 0.00004 and 0.00005; TOPMed 0.00003.
gnomAD v4.1: 164 of 1,613,618 alleles (0.01%); highest among the groups gnomAD compares: Non-Finnish European, 0.013%; no homozygotes.

Submissions (7):

GeneDx
Classification: Uncertain significance. Last evaluated: 2026-10-19. Review status: criteria provided, single submitter. Criteria: GeneDx Variant Classification Process June 2021. Collection method: clinical testing. Allele origin: germline.
Comment: Identified patient with drug-induced Long QT syndrome whose baseline QTc was 399 milliseconds; however, no additional clinical or segregation data were provided (PMID: 22584458); In silico analysis suggests that this missense variant does not alter protein structure/function; This variant is associated with the following publications: (PMID: 23834499, 22584458)

PreventionGenetics, part of Exact Sciences
Classification: Uncertain significance for JPH2-related condition. Last evaluated: 2026-07-29. Review status: criteria provided, single submitter. Criteria: ACMG Guidelines, 2015. Collection method: clinical testing. Allele origin: germline.
Comment: The JPH2 c.1033G>C variant is predicted to result in the amino acid substitution p.Val345Leu. This variant has been reported in an individual with drug induced arrhythmia (Ramirez et al. 2013. PubMed ID: 22584458). This variant is reported in 0.011% of alleles in individuals of European (Non-Finnish) descent in gnomAD. At this time, the clinical significance of this variant is uncertain due to the absence of conclusive functional and genetic evidence.

Labcorp Genetics (formerly Invitae), Labcorp
Classification: Uncertain significance for Hypertrophic cardiomyopathy. Last evaluated: 2025-05-22. Review status: criteria provided, single submitter. Criteria: Invitae Variant Classification Sherloc (09022015). Collection method: clinical testing. Allele origin: germline.
Comment: This sequence change replaces valine, which is neutral and non-polar, with leucine, which is neutral and non-polar, at codon 345 of the JPH2 protein (p.Val345Leu). This variant is present in population databases (rs748233107, gnomAD 0.009%). This missense change has been observed in individual(s) with drug-induced arrhythmia (PMID: 22584458). ClinVar contains an entry for this variant (Variation ID: 454466). An algorithm developed to predict the effect of missense changes on protein structure and function (PolyPhen-2) suggests that this variant is likely to be tolerated. In summary, the available evidence is currently insufficient to determine the role of this variant in disease. Therefore, it has been classified as a Variant of Uncertain Significance.

Molecular Diagnostic Laboratory for Inherited Cardiovascular Disease, Montreal Heart Institute
Classification: Uncertain significance for Cardiovascular phenotype. Last evaluated: 2025-04-09. Review status: criteria provided, single submitter. Criteria: ACMG Guidelines, 2015. Collection method: clinical testing. Allele origin: germline. Affected: yes.

Blueprint Genetics
Classification: Likely benign. Last evaluated: 2024-08-08. Review status: criteria provided, single submitter. Criteria: ACMG Guidelines, 2015. Collection method: clinical testing. Allele origin: germline.

Ambry Genetics
Classification: Likely benign for Cardiovascular phenotype. Last evaluated: 2024-06-13. Review status: criteria provided, single submitter. Criteria: Ambry Variant Classification Scheme 2023. Collection method: clinical testing. Allele origin: germline.

Fulgent Genetics
Classification: Uncertain significance for Hypertrophic cardiomyopathy 17; Cardiomyopathy, dilated, 2E. Last evaluated: 2021-08-09. Review status: criteria provided, single submitter. Criteria: ACMG Guidelines, 2015. Collection method: clinical testing. Allele origin: unknown.

Literature cited by the submitters: PubMed 22584458 (cited by Labcorp Genetics (formerly Invitae), Labcorp and Ambry Genetics).